The following is an entry in ClinVar:

NM_002180.3(IGHMBP2):c.1540G>A (p.Glu514Lys)

Genes: IGHMBP2 (immunoglobulin mu DNA binding protein 2; plus strand), LOC126861245 (CDK7 strongly-dependent group 2 enhancer GRCh37_chr11:68701479-68702678; plus strand). Cytogenetic location: 11q13.3.
Variant type: single nucleotide variant.
Coding change: c.1540G>A on transcript NM_002180.3 (MANE Select); coding-DNA position 1540, G replaced by A.
Protein change: p.Glu514Lys; replaces glutamic acid 514 with lysine.
Molecular consequence: missense variant.
Genome position (GRCh38, 1-based): chr11:68,934,466, G>A. VCF-style: chr11-68934466-G-A. GRCh37 (hg19) VCF-style: chr11-68701934-G-A.
Other names: short protein forms E514K.
Identifiers: ClinVar variation 9112 (VCV000009112.16), dbSNP rs137852665, ClinGen allele CA254642.
Genomic context (GRCh38, chr11:68,934,466, plus strand): 5'-GGTGGATGCCCACTTGGGGCGACCTTGTGCTGCTCACCCGTTCTTTCTTTCCCTCCAGGC[G>A]AAGTCCGCCTCGTCAGTTTGCACATCCAGGCTCTGGTGGACGCTGGTGTTCCAGCCCGTG-3'
Protein context (NP_002171.2, residues 504-524): EDEQSKGNPG[Glu514Lys]VRLVSLHIQA

ClinVar aggregate classification (germline): Pathogenic. Review status: criteria provided, multiple submitters, no conflicts (2 of 4 stars). 9 submissions from 9 submitters: Pathogenic (8). 1 of the submissions does not count toward it. Last evaluated 2026-04-22.

Conditions:
IGHMBP2-related disorder. Also called: IGHMBP2-related disorders; IGHMBP2-related condition.
Inborn genetic diseases. Identifiers: MedGen C0950123, MeSH D030342.
Charcot-Marie-Tooth disease axonal type 2S. Also called: CHARCOT-MARIE-TOOTH NEUROPATHY, TYPE 2S; CHARCOT-MARIE-TOOTH DISEASE, AXONAL, AUTOSOMAL RECESSIVE, TYPE 2S. Identifiers: Orphanet 443073, MedGen C4015349, MONDO:0014511, OMIM 616155.
Autosomal recessive distal spinal muscular atrophy 1. Also called: Spinal muscular atrophy with respiratory distress 1; SEVERE INFANTILE AXONAL NEUROPATHY WITH RESPIRATORY FAILURE; SPINAL MUSCULAR ATROPHY, DIAPHRAGMATIC; NEURONOPATHY, DISTAL HEREDITARY MOTOR, HARDING TYPE VI; NEUROPATHY, DISTAL HEREDITARY MOTOR, AUTOSOMAL RECESSIVE 1; HMN VI. Identifiers: Orphanet 98920, MedGen C1858517, MONDO:0011436, OMIM 604320.

Allele frequency attached by ClinVar (database versions not stated): gnomAD 0.00001; TOPMed 0.00001; ExAC 0.00003; gnomAD exomes 0.00003.
gnomAD v4.1: 21 of 1,606,692 alleles (0.0013%); highest among the groups gnomAD compares: Non-Finnish European, 0.0017%; no homozygotes.

Submissions (9):

PreventionGenetics, part of Exact Sciences
Classification: Pathogenic for IGHMBP2-related condition. Last evaluated: 2026-04-22. Review status: criteria provided, single submitter. Criteria: ACMG Guidelines, 2015. Collection method: clinical testing. Allele origin: germline.
Comment: The IGHMBP2 c.1540G>A variant is predicted to result in the amino acid substitution p.Glu514Lys. This variant has been reported in the homozygous or compound heterozygous state in multiple individuals with IGHMBP2-related disorders (Megarbane et al. 2022. PubMed ID: 34602496; Waldrop et al. 2019. PubMed ID: 30665247; Stalpers et al. 2013. PubMed ID: 23566544; Grohmann et al. 2003. PubMed ID: 14681881). This variant is reported in 0.0056% of alleles in individuals of European (Non-Finnish) descent in gnomAD. This variant is interpreted as pathogenic.

Genomic Medicine Center of Excellence, King Faisal Specialist Hospital and Research Centre
Classification: Pathogenic for Autosomal recessive distal spinal muscular atrophy 1. Last evaluated: 2025-09-10. Review status: criteria provided, single submitter. Criteria: ACMG Guidelines, 2015. Collection method: clinical testing. Allele origin: germline.

Women's Health and Genetics/Laboratory Corporation of America, LabCorp
Classification: Pathogenic for Charcot-Marie-Tooth disease axonal type 2S. Last evaluated: 2024-10-16. Review status: criteria provided, single submitter. Criteria: LabCorp Variant Classification Summary - May 2015. Collection method: clinical testing. Allele origin: germline.
Comment: Variant summary: IGHMBP2 c.1540G>A (p.Glu514Lys) results in a conservative amino acid change located in the DNA2/NAM7 helicase-like, C-terminal domain (IPR041679) of the encoded protein sequence. Four of five in-silico tools predict a damaging effect of the variant on protein function. Consensus agreement among computation tools predict no significant impact on normal splicing. However, these predictions have yet to be confirmed by functional studies. The variant allele was found at a frequency of 2.5e-05 in 238380 control chromosomes (gnomAD). c.1540G>A has been reported in the literature in multiple individuals (both homozygous and compound heterozygotes) affected with IGHMBP2-related conditions (example: Grohmann_2003, Grohmann_2001, Waldrop_2019, Felice_2021, Jalkh_2019). These data indicate that the variant is very likely to be associated with disease. The following publications have been ascertained in the context of this evaluation (PMID: 14681881, 11528396, 30665247, 34232518, 30665423). ClinVar contains an entry for this variant (Variation ID: 9112). Based on the evidence outlined above, the variant was classified as pathogenic.

Labcorp Genetics (formerly Invitae), Labcorp
Classification: Pathogenic for Autosomal recessive distal spinal muscular atrophy 1; Charcot-Marie-Tooth disease axonal type 2S. Last evaluated: 2024-09-14. Review status: criteria provided, single submitter. Criteria: Invitae Variant Classification Sherloc (09022015). Collection method: clinical testing. Allele origin: germline.
Comment: This sequence change replaces glutamic acid, which is acidic and polar, with lysine, which is basic and polar, at codon 514 of the IGHMBP2 protein (p.Glu514Lys). This variant is present in population databases (rs137852665, gnomAD 0.006%). This missense change has been observed in individuals with spinal muscular atrophy with respiratory distress type 1 (SMARD1) (PMID: 11528396, 14681881, 15503272, 26257172). It has also been observed to segregate with disease in related individuals. ClinVar contains an entry for this variant (Variation ID: 9112). An algorithm developed to predict the effect of missense changes on protein structure and function (PolyPhen-2) suggests that this variant is likely to be disruptive. For these reasons, this variant has been classified as Pathogenic.

Ambry Genetics
Classification: Pathogenic for Inborn genetic diseases. Last evaluated: 2023-10-12. Review status: criteria provided, single submitter. Criteria: Ambry Variant Classification Scheme 2023. Collection method: clinical testing. Allele origin: germline.
Comment: The c.1540G>A (p.E514K) alteration is located in exon 11 (coding exon 11) of the IGHMBP2 gene. This alteration results from a G to A substitution at nucleotide position 1540, causing the glutamic acid (E) at amino acid position 514 to be replaced by a lysine (K). Based on data from gnomAD, the A allele has an overall frequency of 0.003% (6/238380) total alleles studied. The highest observed frequency was 0.006% (6/107112) of European (non-Finnish) alleles. This alteration was detected in the homozygous state, and in conjunction with another alteration in IGHMBP2, in multiple individuals with IGHMBP2-related neuropathy (Waldrop, 2019; Stalpers, 2013; Grohmann, 2003; Megarbane, 2022; Felice, 2021; Gonzaga-Jauregui, 2015). This amino acid position is highly conserved in available vertebrate species. This alteration is predicted to be deleterious by in silico analysis. Based on the available evidence, this alteration is classified as pathogenic.

Blueprint Genetics
Classification: Pathogenic for IGHMBP2-related disorders. Last evaluated: 2023-08-25. Review status: criteria provided, single submitter. Criteria: ACMG Guidelines, 2015. Collection method: clinical testing. Allele origin: germline. Affected: yes. Observed: 2 variant alleles.

GeneDx
Classification: Pathogenic. Last evaluated: 2015-09-23. Review status: criteria provided, single submitter. Criteria: GeneDx Variant Classification (06012015). Collection method: clinical testing. Allele origin: germline. Affected: yes.
Comment: The E514K variant has been previously reported in the homozygous state in a patient with SMARD1 and in the heterozygous state in a SMARD1 patient whom also had a second IGHMBP2 mutation (Grohmann et al., 2001; Grohmann et al., 2003; Diers et al., 2005; Gonzaga-Jauregui et al., 2015). It was not observed with any significant frequency in approximately 6,500 individuals of European and African American ancestry in the NHLBI Exome Sequencing Project. The E514K variant is a non-conservative amino acid substitution, which occurs at a position that is conserved across species. Therefore, E514K is interpreted to be a pathogenic variant

Lupski Lab, Baylor-Hopkins CMG, Baylor College of Medicine
Classification: Pathogenic for Autosomal recessive distal spinal muscular atrophy 1. Last evaluated: 2015-08-18. Review status: criteria provided, single submitter. Criteria: Gonzaga-Jauregui et al. (Cell Rep. 2015). Collection method: research. Allele origin: germline. Inheritance: Autosomal recessive inheritance. Affected: yes. Observed: 1 variant allele.

OMIM
Classification: Pathogenic for NEURONOPATHY, DISTAL HEREDITARY MOTOR, AUTOSOMAL RECESSIVE 1. Last evaluated: 2001-09-01. Review status: no assertion criteria provided. Collection method: literature only. Allele origin: germline. Not counted in ClinVar's aggregate classification.

Literature cited by the submitters: PubMed 14681881 (cited by 3 submitters); PubMed 30665247 (cited by Women's Health and Genetics/Laboratory Corporation of America, LabCorp and Ambry Genetics); PubMed 30665423 (cited by Women's Health and Genetics/Laboratory Corporation of America, LabCorp); PubMed 34232518 (cited by Women's Health and Genetics/Laboratory Corporation of America, LabCorp and Ambry Genetics); PubMed 11528396 (cited by 3 submitters); PubMed 15503272 (cited by Labcorp Genetics (formerly Invitae), Labcorp); PubMed 26257172 (cited by Labcorp Genetics (formerly Invitae), Labcorp and Ambry Genetics); PubMed 23566544 (cited by Ambry Genetics); PubMed 34602496 (cited by Ambry Genetics).